The following is an entry in ClinVar:

NM_013447.4(ADGRE2):c.1163G>A (p.Trp388Ter)

Gene: ADGRE2 (adhesion G protein-coupled receptor E2; minus strand). Cytogenetic location: 19p13.12.
Variant type: single nucleotide variant.
Coding change: c.1163G>A on transcript NM_013447.4 (MANE Select); coding-DNA position 1163, G replaced by A.
Protein change: p.Trp388Ter; replaces tryptophan 388 with a stop codon.
Molecular consequence: nonsense.
Genome position (GRCh38, 1-based): chr19:14,756,267, C>T on the plus strand (G>A on the coding strand, the complement: ADGRE2 is on the minus strand). VCF-style: chr19-14756267-C-T. GRCh37 (hg19) VCF-style: chr19-14867079-C-T.
Other names: c.1163G>A, p.Trp388Ter (NM_001271052.1); c.1016G>A, p.Trp339Ter (NM_152916.2); c.884G>A, p.Trp295Ter (NM_152917.2); short protein forms W295*, W388*, W339*.
Identifiers: ClinVar variation 2198248 (VCV002198248.4), dbSNP rs762933039, ClinGen allele CA9257783.

ClinVar aggregate classification (germline): Uncertain significance (1 of 4 stars; one submission).

Allele frequency attached by ClinVar (database versions not stated): ExAC 0.00001; gnomAD 0.00001; gnomAD exomes 0.00001; TOPMed 0.00002.
gnomAD v4.1: 22 of 1,613,970 alleles (0.0014%); highest among the groups gnomAD compares: East Asian, 0.0022%; no homozygotes.

Submission:

Labcorp Genetics (formerly Invitae), Labcorp
Classification: Uncertain significance. Last evaluated: 2025-07-13. Review status: criteria provided, single submitter. Criteria: Invitae Variant Classification Sherloc (09022015). Collection method: clinical testing. Allele origin: germline.
Comment: This sequence change creates a premature translational stop signal (p.Trp388*) in the ADGRE2 gene. It is expected to result in an absent or disrupted protein product. However, the current clinical and genetic evidence is not sufficient to establish whether loss-of-function variants in ADGRE2 cause disease. This variant is present in population databases (rs762933039, gnomAD 0.007%). This variant has not been reported in the literature in individuals affected with ADGRE2-related conditions. ClinVar contains an entry for this variant (Variation ID: 2198248). Algorithms developed to predict the effect of sequence changes on RNA splicing suggest that this variant may disrupt the consensus splice site. In summary, the available evidence is currently insufficient to determine the role of this variant in disease. Therefore, it has been classified as a Variant of Uncertain Significance.